The following is an entry in ClinVar:

NM_000390.4(CHM):c.116C>T (p.Ser39Leu)

Gene: CHM (CHM Rab escort protein; minus strand). Cytogenetic location: Xq21.2.
Variant type: single nucleotide variant.
Coding change: c.116C>T on transcript NM_000390.4 (MANE Select); coding-DNA position 116, C replaced by T.
Protein change: p.Ser39Leu; replaces serine 39 with leucine.
Molecular consequence: missense variant. On other transcripts: 5 prime UTR variant (4).
Genome position (GRCh38, 1-based): chrX:86,027,491, G>A on the plus strand (C>T on the coding strand, the complement: CHM is on the minus strand). VCF-style: chrX-86027491-G-A. GRCh37 (hg19) VCF-style: chrX-85282495-G-A.
Other names: c.116C>T, p.Ser39Leu (NM_001145414.4); c.-329C>T (NM_001320959.1, NM_001362517.1); c.-325C>T (NM_001362518.2, NM_001362519.1); short protein forms S39L.
Identifiers: ClinVar variation 866749 (VCV000866749.8), dbSNP rs772452707, ClinGen allele CA10465669.
Genomic context (GRCh38, chrX:86,027,491, plus strand): 5'-AATTTTAATCCTGTATAGAGATATTTAGGAAATATTAAATGCTATCGTTGATAAACTTAC[G>A]AATCAACATGCAGAACTCTCCGGCCACTTCTTGAACATGCAGCTGCAATGATGGATTCAG-3'
Protein context (NP_000381.1, residues 29-49): RSGRRVLHVD[Ser39Leu]RSYYGGNWAS

ClinVar aggregate classification (germline): Uncertain significance. Review status: criteria provided, multiple submitters, no conflicts (2 of 4 stars). 2 submissions from 2 submitters: Uncertain significance (2). Last evaluated 2025-10-22.

Allele frequency attached by ClinVar (database versions not stated): gnomAD 0.00001; TOPMed 0.00001; gnomAD exomes 0.00002 and 0.00004; ExAC 0.00005.
gnomAD v4.1: 27 of 1,198,254 alleles (0.0023%); highest among the groups gnomAD compares: African/African-American, 0.0088%; no homozygotes.

Submissions (2):

Labcorp Genetics (formerly Invitae), Labcorp
Classification: Uncertain significance. Last evaluated: 2025-10-22. Review status: criteria provided, single submitter. Criteria: Invitae Variant Classification Sherloc (09022015). Collection method: clinical testing. Allele origin: germline.
Comment: This sequence change replaces serine, which is neutral and polar, with leucine, which is neutral and non-polar, at codon 39 of the CHM protein (p.Ser39Leu). The frequency data for this variant in the population databases is considered unreliable, as metrics indicate poor data quality at this position in the gnomAD database. This variant has not been reported in the literature in individuals affected with CHM-related conditions. ClinVar contains an entry for this variant (Variation ID: 866749). An algorithm developed to predict the effect of missense changes on protein structure and function (PolyPhen-2) suggests that this variant is likely to be disruptive. In summary, the available evidence is currently insufficient to determine the role of this variant in disease. Therefore, it has been classified as a Variant of Uncertain Significance.

Blueprint Genetics
Classification: Uncertain significance. Last evaluated: 2021-08-24. Review status: criteria provided, single submitter. Criteria: ACMG Guidelines, 2015. Collection method: clinical testing. Allele origin: germline.